The following is an entry in ClinVar:

NM_000238.4(KCNH2):c.2792C>G (p.Pro931Arg)

Gene: KCNH2 (potassium voltage-gated channel subfamily H member 2; minus strand). Cytogenetic location: 7q36.1.
Variant type: single nucleotide variant.
Coding change: c.2792C>G on transcript NM_000238.4 (MANE Select); coding-DNA position 2792, C replaced by G.
Protein change: p.Pro931Arg; replaces proline 931 with arginine.
Molecular consequence: missense variant.
Genome position (GRCh38, 1-based): chr7:150,947,779, G>C on the plus strand (C>G on the coding strand, the complement: KCNH2 is on the minus strand). VCF-style: chr7-150947779-G-C. GRCh37 (hg19) VCF-style: chr7-150644867-G-C.
Other names: c.1772C>G, p.Pro591Arg (NM_172057.3); short protein forms P931R, P591R.
Identifiers: ClinVar variation 928265 (VCV000928265.12), dbSNP rs749759697, ClinGen allele CA369853394.

ClinVar aggregate classification (germline): Uncertain significance. Review status: criteria provided, multiple submitters, no conflicts (2 of 4 stars). 2 submissions from 2 submitters: Uncertain significance (2). Last evaluated 2024-03-06.

Conditions:
Long QT syndrome (LQTS). Identifiers: MedGen C0023976, MeSH D008133, MONDO:0002442. Disease mechanism: loss of function. Inheritance: Various modes of inheritance.
Cardiac arrhythmia. Also called: Arrhythmia; Cardiac rhythm disease. Identifiers: MedGen C0003811, MONDO:0007263, HP:0011675.

Submissions (2):

Color Diagnostics, LLC DBA Color Health
Classification: Uncertain significance for Cardiac arrhythmia. Last evaluated: 2024-03-06. Review status: criteria provided, single submitter. Criteria: ACMG Guidelines, 2015. Collection method: clinical testing. Allele origin: germline.
Comment: This missense variant replaces proline with arginine at codon 931 of the KCNH2 protein. Computational prediction tool is inconclusive regarding the impact of this variant on protein structure and function (internally defined REVEL score threshold 0.5 < inconclusive < 0.7, PMID: 27666373). Splice site prediction tools suggest that this variant may not impact RNA splicing. To our knowledge, functional studies have not been performed for this variant. This variant has not been reported in individuals affected with cardiovascular disorders in the literature. This variant has not been identified in the general population by the Genome Aggregation Database (gnomAD). The available evidence is insufficient to determine the role of this variant in disease conclusively. Therefore, this variant is classified as a Variant of Uncertain Significance.

Labcorp Genetics (formerly Invitae), Labcorp
Classification: Uncertain significance for Long QT syndrome. Last evaluated: 2021-10-20. Review status: criteria provided, single submitter. Criteria: Invitae Variant Classification Sherloc (09022015). Collection method: clinical testing. Allele origin: germline.
Comment: In summary, the available evidence is currently insufficient to determine the role of this variant in disease. Therefore, it has been classified as a Variant of Uncertain Significance. Algorithms developed to predict the effect of missense changes on protein structure and function (SIFT, PolyPhen-2, Align-GVGD) all suggest that this variant is likely to be tolerated. ClinVar contains an entry for this variant (Variation ID: 928265). This variant has not been reported in the literature in individuals affected with KCNH2-related conditions. The frequency data for this variant in the population databases is considered unreliable, as metrics indicate insufficient coverage at this position in the ExAC database. This sequence change replaces proline with arginine at codon 931 of the KCNH2 protein (p.Pro931Arg). The proline residue is weakly conserved and there is a moderate physicochemical difference between proline and arginine.